The following is an entry in ClinVar:

NM_004722.4(AP4M1):c.694dup (p.Glu232fs)

Gene: AP4M1 (adaptor related protein complex 4 subunit mu 1; plus strand). Cytogenetic location: 7q22.1.
Variant type: Duplication.
Coding change: c.694dup on transcript NM_004722.4 (MANE Select); coding-DNA position 694, one base duplicated (G; older notation c.694dupG).
Protein change: p.Glu232fs; shifts the reading frame from glutamic acid 232.
Molecular consequence: frameshift variant.
Genome position (GRCh38, 1-based): chr7:100,105,065, G duplicated; the last of 2 consecutive G bases (chr7:100,105,064-100,105,065); duplicating either gives the same sequence. VCF-style (leftmost placement, unchanged base first): chr7-100105063-C-CG. GRCh37 (hg19) VCF-style: chr7-99702686-C-CG.
Other names: c.715dup, p.Glu239fs (NM_001363671.2); short protein forms E232fs, E239fs.
Identifiers: ClinVar variation 818030 (VCV000818030.2), dbSNP rs1584514057, ClinGen allele CA915945384.
Genomic context (GRCh38, chr7:100,105,063, plus strand): 5'-CATGGCATTGCTGAGCTCTCCTGATGGTCTCTCCTCCGACAGAGATGCGCATTGGCTTGA[C>CG]GGAAGAGTTTTGTGTGGGGAAGTCAGAGCTGAGAGGTGAGGAGAAAGTGGGTCTTTCTCC-3'

ClinVar aggregate classification (germline): Pathogenic. Review status: criteria provided, single submitter (1 of 4 stars). 2 submissions from 2 submitters: Pathogenic (1). 1 of the submissions does not count toward it. Last evaluated 2019-03-13.

Conditions:
Spastic paraplegia. Identifiers: MedGen C0037772, HP:0001258.

Submissions (2):

GeneDx
Classification: Pathogenic. Last evaluated: 2019-03-13. Review status: criteria provided, single submitter. Criteria: GeneDx Variant Classification (06012015). Collection method: clinical testing. Allele origin: germline. Affected: yes.
Comment: The c.694dupG variant in the AP4M1 gene has not been reported previously as a pathogenic variant nor as a benign variant, to our knowledge. The c.694dupG variant causes a frameshift starting with codon Glutamic acid, changes this amino acid to a Glycine residue, and creates a premature Stop codon at position 21 of the new reading frame, denoted p.Glu232Glyfsx21. This variant is predicted to cause loss of normal protein function either through protein truncation or nonsense-mediated mRNA decay. The c.694dupG variant is not observed in large population cohorts (Lek et al., 2016). We interpret c.694dupG as a pathogenic variant.

Yale Center for Mendelian Genomics, Yale University
Classification: Likely pathogenic for Spastic paraplegia. Last evaluated: 2020-10-01. Review status: no assertion criteria provided. Collection method: literature only. Allele origin: germline. Affected: yes. Observed: 1 compound heterozygote. Study: Yale Center for Mendelian Genomics. Not counted in ClinVar's aggregate classification.

Literature cited by the submitters: PubMed 32979048 (cited by Yale Center for Mendelian Genomics, Yale University).